The following is an entry in ClinVar:

ClinVar aggregate classification (germline): Uncertain significance (1 of 4 stars; one submission).

Conditions:
Hyperphosphatasia with impaired intellectual development syndrome 2. Also called: Hyperphosphatasia with intellectual disability syndrome 2; GLYCOSYLPHOSPHATIDYLINOSITOL BIOSYNTHESIS DEFECT 6. Identifiers: Orphanet 247262, MedGen C3553637, MONDO:0013882, OMIM 614749.

Submission:

Labcorp Genetics (formerly Invitae), Labcorp
Classification: Uncertain significance for Hyperphosphatasia with impaired intellectual development syndrome 2. Last evaluated: 2023-10-13. Review status: criteria provided, single submitter. Criteria: Invitae Variant Classification Sherloc (09022015). Collection method: clinical testing. Allele origin: germline.
Comment: This sequence change replaces leucine, which is neutral and non-polar, with proline, which is neutral and non-polar, at codon 758 of the PIGO protein (p.Leu758Pro). This variant is present in population databases (no rsID available, gnomAD 0.0009%). This variant has not been reported in the literature in individuals affected with PIGO-related conditions. ClinVar contains an entry for this variant (Variation ID: 1435773). An algorithm developed to predict the effect of missense changes on protein structure and function (PolyPhen-2) suggests that this variant is likely to be disruptive. In summary, the available evidence is currently insufficient to determine the role of this variant in disease. Therefore, it has been classified as a Variant of Uncertain Significance.

NM_032634.4(PIGO):c.2273T>C (p.Leu758Pro)

Gene: PIGO (phosphatidylinositol glycan anchor biosynthesis class O; minus strand). Cytogenetic location: 9p13.3.
Variant type: single nucleotide variant.
Coding change: c.2273T>C on transcript NM_032634.4 (MANE Select); coding-DNA position 2273, T replaced by C.
Protein change: p.Leu758Pro; replaces leucine 758 with proline.
Molecular consequence: missense variant. On other transcripts: intron variant (2).
Genome position (GRCh38, 1-based): chr9:35,091,614, A>G on the plus strand (T>C on the coding strand, the complement: PIGO is on the minus strand). VCF-style: chr9-35091614-A-G. GRCh37 (hg19) VCF-style: chr9-35091611-A-G.
Other names: c.1345-323T>C (NM_152850.4, NM_001201484.2); short protein forms L758P.
Identifiers: ClinVar variation 1435773 (VCV001435773.8), dbSNP rs1332591691, ClinGen allele CA373320412.